The following is an entry in ClinVar:

ClinVar aggregate classification (germline): Conflicting classifications of pathogenicity. Review status: criteria provided, conflicting classifications (1 of 4 stars). 2 submissions from 2 submitters: Uncertain significance (1); Benign (1). Last evaluated 2023-04-01.

Submissions (2):

CeGaT Center for Human Genetics Tuebingen
Classification: Benign. Last evaluated: 2023-04-01. Review status: criteria provided, single submitter. Criteria: CeGaT Center For Human Genetics Tuebingen Variant Classification Criteria Version 2. Collection method: clinical testing. Allele origin: germline. Affected: yes. Observed: 2 variant alleles.
Comment: JAK3: BS1, BS2

Breakthrough Genomics
Classification: Uncertain significance. Review status: criteria provided, single submitter. Criteria: ACMG Guidelines, 2015. Collection method: not provided. Allele origin: germline. Inheritance: Autosomal dominant inheritance. Affected: yes.

NM_000215.4(JAK3):c.*1931del

Gene: JAK3 (Janus kinase 3; minus strand). Cytogenetic location: 19p13.11.
Variant type: Deletion.
Coding change: c.*1931del on transcript NM_000215.4 (MANE Select); 1931 bases downstream of the stop codon, one base deleted (T; older notation c.*1931delT).
Molecular consequence: 3 prime UTR variant.
Genome position (GRCh38, 1-based): chr19:17,824,812, A deleted on the plus strand (T on the coding strand, the reverse complement: JAK3 is on the minus strand); the first of 3 consecutive A bases (chr19:17,824,812-17,824,814); deleting any one gives the same sequence. VCF-style (leftmost placement, unchanged base first): chr19-17824811-CA-C. GRCh37 (hg19) VCF-style: chr19-17935620-CA-C.
Identifiers: ClinVar variation 328461 (VCV000328461.35), dbSNP rs147498283, ClinGen allele CA10651601.